The following is an entry in ClinVar:

NM_002470.4(MYH3):c.4857G>A (p.Met1619Ile)

Gene: MYH3 (myosin heavy chain 3; minus strand). Cytogenetic location: 17p13.1.
Variant type: single nucleotide variant.
Coding change: c.4857G>A on transcript NM_002470.4 (MANE Select); coding-DNA position 4857, G replaced by A.
Protein change: p.Met1619Ile; replaces methionine 1619 with isoleucine.
Molecular consequence: missense variant.
Genome position (GRCh38, 1-based): chr17:10,632,575, C>T on the plus strand (G>A on the coding strand, the complement: MYH3 is on the minus strand). VCF-style: chr17-10632575-C-T. GRCh37 (hg19) VCF-style: chr17-10535892-C-T.
Other names: c.4857G>A (NM_002470.3); short protein forms M1619I.
Identifiers: ClinVar variation 1915699 (VCV001915699.4), dbSNP rs2074174104, ClinGen allele CA398136632.

ClinVar aggregate classification (germline): Uncertain significance. Review status: criteria provided, multiple submitters, no conflicts (2 of 4 stars). 2 submissions from 2 submitters: Uncertain significance (2). Last evaluated 2025-12-01.

Conditions:
Inborn genetic diseases. Identifiers: MedGen C0950123, MeSH D030342.

Allele frequency attached by ClinVar (database versions not stated): TOPMed below 0.00001.

Submissions (2):

Labcorp Genetics (formerly Invitae), Labcorp
Classification: Uncertain significance. Last evaluated: 2025-12-01. Review status: criteria provided, single submitter. Criteria: Invitae Variant Classification Sherloc (09022015). Collection method: clinical testing. Allele origin: germline.
Comment: This sequence change replaces methionine, which is neutral and non-polar, with isoleucine, which is neutral and non-polar, at codon 1619 of the MYH3 protein (p.Met1619Ile). This variant is not present in population databases (gnomAD no frequency). This variant has not been reported in the literature in individuals affected with MYH3-related conditions. ClinVar contains an entry for this variant (Variation ID: 1915699). Invitae Evidence Modeling of protein sequence and biophysical properties (such as structural, functional, and spatial information, amino acid conservation, physicochemical variation, residue mobility, and thermodynamic stability) indicates that this missense variant is not expected to disrupt MYH3 protein function with a negative predictive value of 95%. In summary, the available evidence is currently insufficient to determine the role of this variant in disease. Therefore, it has been classified as a Variant of Uncertain Significance.

Ambry Genetics
Classification: Uncertain significance for Inborn genetic diseases. Last evaluated: 2025-06-10. Review status: criteria provided, single submitter. Criteria: Ambry Variant Classification Scheme 2023. Collection method: clinical testing. Allele origin: germline.